The following is an entry in ClinVar:

ClinVar aggregate classification (germline): Benign/Likely benign. Review status: criteria provided, multiple submitters, no conflicts (2 of 4 stars). 5 submissions from 5 submitters: Benign (4); Likely benign (1). Last evaluated 2026-02-01.

Conditions:
Primary ciliary dyskinesia. Also called: Ciliary dyskinesia. Identifiers: Orphanet 244, MedGen C0008780, MONDO:0016575, HP:0012265.

Allele frequency attached by ClinVar (database versions not stated): gnomAD exomes 0.00037 and 0.00107; ExAC 0.00126; 1000 Genomes Project 0.00280; 1000 Genomes Project 30x 0.00312; gnomAD 0.00392 and 0.00428; ESP Exome Variant Server 0.00478; TOPMed 0.00492.
gnomAD v4.1: 1,149 of 1,613,954 alleles (0.071%); highest among the groups gnomAD compares: African/African-American, 1.4%; 11 homozygotes.

Submissions (5):

Labcorp Genetics (formerly Invitae), Labcorp
Classification: Benign for Primary ciliary dyskinesia. Last evaluated: 2026-02-01. Review status: criteria provided, single submitter. Criteria: Invitae Variant Classification Sherloc (09022015). Collection method: clinical testing. Allele origin: germline.

Blueprint Genetics
Classification: Likely benign. Last evaluated: 2024-11-13. Review status: criteria provided, single submitter. Criteria: ACMG Guidelines, 2015. Collection method: clinical testing. Allele origin: germline.

Mayo Clinic Laboratories, Mayo Clinic
Classification: Benign. Last evaluated: 2024-10-17. Review status: criteria provided, single submitter. Criteria: ACMG Guidelines, 2015. Collection method: clinical testing. Allele origin: germline. Observed: 2 variant alleles.
Comment: BS1, BS2

Ambry Genetics
Classification: Benign for Primary ciliary dyskinesia. Last evaluated: 2015-12-01. Review status: criteria provided, single submitter. Criteria: Ambry Variant Classification Scheme 2023. Collection method: clinical testing. Allele origin: germline.

Laboratory for Molecular Medicine, Mass General Brigham Personalized Medicine
Classification: Benign. Last evaluated: 2013-02-21. Review status: criteria provided, single submitter. Criteria: LMM Criteria. Collection method: clinical testing. Allele origin: germline. Observed: 1 variant allele.
Comment: Ile4215Thr in exon 77 of DNAH11: This variant is not expected to have clinical s ignificance because it has been identified in 1.5% (57/3874) of African American chromosomes from a broad population by the NHLBI Exome Sequencing Project (dbSNP rs150663302).

NM_001277115.2(DNAH11):c.12644T>C (p.Ile4215Thr)

Gene: DNAH11 (dynein axonemal heavy chain 11; plus strand). Cytogenetic location: 7p15.3.
Variant type: single nucleotide variant.
Coding change: c.12644T>C on transcript NM_001277115.2 (MANE Select); coding-DNA position 12644, T replaced by C.
Protein change: p.Ile4215Thr; replaces isoleucine 4215 with threonine.
Molecular consequence: missense variant.
Genome position (GRCh38, 1-based): chr7:21,892,561, T>C. VCF-style: chr7-21892561-T-C. GRCh37 (hg19) VCF-style: chr7-21932179-T-C.
Other names: short protein forms I4215T.
Identifiers: ClinVar variation 215428 (VCV000215428.19), dbSNP rs150663302, ClinGen allele CA339161.